The following is an entry in ClinVar:

ClinVar aggregate classification (germline): Pathogenic (1 of 4 stars; one submission).

Conditions:
Early-onset myopathy with fatal cardiomyopathy (CMYO5). Also called: Salih Myopathy; CONGENITAL MYOPATHY 5 WITH CARDIOMYOPATHY. Identifiers: Orphanet 289377, MedGen C2673677, MONDO:0012714, OMIM 611705. Disease mechanism: loss of function.

Submission:

Mendelics
Classification: Pathogenic for Early-onset myopathy with fatal cardiomyopathy. Last evaluated: 2026-03-05. Review status: criteria provided, single submitter. Criteria: ACMG Guidelines, 2015. Collection method: clinical testing. Allele origin: unknown.
Comment: Likely pathogenic/Pathogenic according to ACMG criteria.

NM_001267550.2(TTN):c.107409_107410insCC (p.Leu35804fs)

Genes: TTN (titin; minus strand), TTN-AS1 (TTN antisense RNA 1; plus strand). Cytogenetic location: 2q31.2.
Variant type: Insertion.
Coding change: c.107409_107410insCC on transcript NM_001267550.2 (MANE Select); coding-DNA positions 107409 to 107410, CC inserted.
Protein change: p.Leu35804fs; shifts the reading frame from leucine 35804.
Molecular consequence: frameshift variant.
Genome position: GRCh38 VCF-style: chr2-178527716-A-AGG. GRCh37 (hg19) VCF-style: chr2-179392443-A-AGG.
Other names: c.102486_102487insCC, p.Leu34163fs (NM_001256850.1); c.80214_80215insCC, p.Leu26739fs (NM_003319.4); c.99705_99706insCC, p.Leu33236fs (NM_133378.4); c.80589_80590insCC, p.Leu26864fs (NM_133432.3); c.80790_80791insCC, p.Leu26931fs (NM_133437.4); short protein forms L26739fs, L26864fs, L26931fs, L33236fs, L34163fs, L35804fs.
Identifiers: ClinVar variation 4813584 (VCV004813584.1).